The following is an entry in ClinVar:

NM_000322.5(PRPH2):c.802G>A (p.Val268Ile)

Gene: PRPH2 (peripherin 2; minus strand). Cytogenetic location: 6p21.1.
Variant type: single nucleotide variant.
Coding change: c.802G>A on transcript NM_000322.5 (MANE Select); coding-DNA position 802, G replaced by A.
Protein change: p.Val268Ile; replaces valine 268 with isoleucine.
Molecular consequence: missense variant.
Genome position (GRCh38, 1-based): chr6:42,704,391, C>T on the plus strand (G>A on the coding strand, the complement: PRPH2 is on the minus strand). VCF-style: chr6-42704391-C-T. GRCh37 (hg19) VCF-style: chr6-42672129-C-T.
Other names: short protein forms V268I.
Identifiers: ClinVar variation 98710 (VCV000098710.23), dbSNP rs62645936, ClinGen allele CA226314.
Genomic context (GRCh38, chr6:42,704,391, plus strand): 5'-CTTACCCTCTACCCCCAGCTGGCCCAGGGCCTACCTCGAAGAGCCAAATGAGGAGCGTGA[C>T]GACACCCATGGAGTTCATGAGGCTGCTGTAGTAGCTCAGCAGGGCAGCCCTGCAGCCACG-3'
Protein context (NP_000313.2, residues 258-278): YSSLMNSMGV[Val268Ile]TLLIWLFEVT

ClinVar aggregate classification (germline): Conflicting classifications of pathogenicity. Review status: criteria provided, conflicting classifications (1 of 4 stars). 6 submissions from 6 submitters: Likely pathogenic (1); Uncertain significance (3). 2 of the submissions do not count toward it. Last evaluated 2024-10-30.

Conditions:
PRPH2-related disorder. Also called: PRPH2-related condition; PRPH2-related disorders. Identifiers: MedGen CN239395.
Retinal dystrophy. Also called: Inherited retinal dystrophy. Identifiers: Orphanet 71862, MedGen C0854723, MeSH D058499, MONDO:0019118, HP:0000556.

gnomAD v4.1: 12 of 1,609,548 alleles (0.00075%); highest among the groups gnomAD compares: Non-Finnish European, 0.00093%; no homozygotes.

Submissions (6):

Labcorp Genetics (formerly Invitae), Labcorp
Classification: Uncertain significance for PRPH2-related disorder. Last evaluated: 2024-10-30. Review status: criteria provided, single submitter. Criteria: Invitae Variant Classification Sherloc (09022015). Collection method: clinical testing. Allele origin: germline.
Comment: This sequence change replaces valine, which is neutral and non-polar, with isoleucine, which is neutral and non-polar, at codon 268 of the PRPH2 protein (p.Val268Ile). This variant is present in population databases (rs62645936, gnomAD 0.004%). This missense change has been observed in individual(s) with adult vitelliform macular dystrophy (PMID: 9338584). ClinVar contains an entry for this variant (Variation ID: 98710). Invitae Evidence Modeling of protein sequence and biophysical properties (such as structural, functional, and spatial information, amino acid conservation, physicochemical variation, residue mobility, and thermodynamic stability) indicates that this missense variant is not expected to disrupt PRPH2 protein function with a negative predictive value of 95%. Experimental studies have shown that this missense change affects PRPH2 function (PMID: 27033727). In summary, the available evidence is currently insufficient to determine the role of this variant in disease. Therefore, it has been classified as a Variant of Uncertain Significance.

Blueprint Genetics
Classification: Uncertain significance. Last evaluated: 2024-10-10. Review status: criteria provided, single submitter. Criteria: ACMG Guidelines, 2015. Collection method: clinical testing. Allele origin: germline.

CeGaT Center for Human Genetics Tuebingen
Classification: Uncertain significance. Last evaluated: 2024-07-01. Review status: criteria provided, single submitter. Criteria: CeGaT Center For Human Genetics Tuebingen Variant Classification Criteria Version 2. Collection method: clinical testing. Allele origin: germline. Affected: yes. Observed: 1 variant allele.
Comment: PRPH2: PS4:Moderate, PM2:Supporting, PS3:Supporting, BP4

Institute of Human Genetics, Univ. Regensburg, Univ. Regensburg
Classification: Likely pathogenic for Retinal dystrophy. Last evaluated: 2021-01-01. Review status: criteria provided, single submitter. Criteria: ACMG Guidelines, 2015. Collection method: clinical testing. Allele origin: germline. Affected: yes.

Leiden Open Variation Database
Classification: Pathogenic. Last evaluated: 2021-04-06. Review status: no assertion criteria provided. Collection method: curation. Allele origin: germline. Affected: yes. Not counted in ClinVar's aggregate classification.
Comment: Curator: Global Variome, with Curator vacancy. Submitter to LOVD: Manon Peeters.

Retina International
No classification provided. Review status: no classification provided. Collection method: not provided. Allele origin: not provided. Not counted in ClinVar's aggregate classification.

Literature cited by the submitters: PubMed 9338584 (cited by 3 submitters); PubMed 27033727 (cited by Labcorp Genetics (formerly Invitae), Labcorp and Institute of Human Genetics, Univ. Regensburg, Univ. Regensburg); PubMed 34426522 (cited by Institute of Human Genetics, Univ. Regensburg, Univ. Regensburg); PubMed 34411390 (cited by Institute of Human Genetics, Univ. Regensburg, Univ. Regensburg).